The following is an entry in ClinVar:

NM_001001957.2(OR2W3):c.755A>G (p.Tyr252Cys)

Gene: OR2W3 (olfactory receptor family 2 subfamily W member 3; plus strand). Cytogenetic location: 1q44.
Variant type: single nucleotide variant.
Coding change: c.755A>G on transcript NM_001001957.2 (MANE Select); coding-DNA position 755, A replaced by G.
Protein change: p.Tyr252Cys; replaces tyrosine 252 with cysteine.
Molecular consequence: missense variant.
Genome position (GRCh38, 1-based): chr1:247,896,341, A>G. VCF-style: chr1-247896341-A-G. GRCh37 (hg19) VCF-style: chr1-248059643-A-G.
Other names: short protein forms Y252C.
Identifiers: ClinVar variation 2172221 (VCV002172221.4), dbSNP rs547573971, ClinGen allele CA1498675.

ClinVar aggregate classification (germline): Uncertain significance (1 of 4 stars; one submission).

Allele frequency attached by ClinVar (database versions not stated): ExAC 0.00003; gnomAD 0.00003; TOPMed 0.00005; 1000 Genomes Project 30x 0.00016; 1000 Genomes Project 0.00020.

Submission:

Labcorp Genetics (formerly Invitae), Labcorp
Classification: Uncertain significance. Last evaluated: 2025-06-17. Review status: criteria provided, single submitter. Criteria: Invitae Variant Classification Sherloc (09022015). Collection method: clinical testing. Allele origin: germline.
Comment: This sequence change replaces tyrosine, which is neutral and polar, with cysteine, which is neutral and slightly polar, at codon 252 of the OR2W3 protein (p.Tyr252Cys). This variant is present in population databases (rs547573971, gnomAD 0.02%). This variant has not been reported in the literature in individuals affected with OR2W3-related conditions. ClinVar contains an entry for this variant (Variation ID: 2172221). An algorithm developed to predict the effect of missense changes on protein structure and function (PolyPhen-2) suggests that this variant is likely to be tolerated. In summary, the available evidence is currently insufficient to determine the role of this variant in disease. Therefore, it has been classified as a Variant of Uncertain Significance.